The following is an entry in ClinVar:

ClinVar aggregate classification (germline): Uncertain significance. Review status: criteria provided, multiple submitters, no conflicts (2 of 4 stars). 2 submissions from 2 submitters: Uncertain significance (2). Last evaluated 2025-11-05.

Conditions:
Hereditary cancer-predisposing syndrome. Also called: Tumor predisposition; Hereditary neoplastic syndrome; Neoplastic Syndromes, Hereditary; Hereditary Cancer Syndrome. Identifiers: Orphanet 140162, MedGen C0027672, MeSH D009386, MONDO:0015356.

Allele frequency attached by ClinVar (database versions not stated): gnomAD 0.00001; gnomAD exomes 0.00001 and 0.00002; TOPMed 0.00001; ExAC 0.00003; ESP Exome Variant Server 0.00008.
gnomAD v4.1: 8 of 1,613,996 alleles (0.0005%); highest among the groups gnomAD compares: Non-Finnish European, 0.00068%; no homozygotes.

Submissions (2):

Labcorp Genetics (formerly Invitae), Labcorp
Classification: Uncertain significance. Last evaluated: 2025-11-05. Review status: criteria provided, single submitter. Criteria: Invitae Variant Classification Sherloc (09022015). Collection method: clinical testing. Allele origin: germline.
Comment: This sequence change replaces alanine, which is neutral and non-polar, with threonine, which is neutral and polar, at codon 2239 of the POLE protein (p.Ala2239Thr). This variant is present in population databases (rs370305500, gnomAD 0.007%). This variant has not been reported in the literature in individuals affected with POLE-related conditions. ClinVar contains an entry for this variant (Variation ID: 859482). Invitae Evidence Modeling of protein sequence and biophysical properties (such as structural, functional, and spatial information, amino acid conservation, physicochemical variation, residue mobility, and thermodynamic stability) indicates that this missense variant is not expected to disrupt POLE protein function with a negative predictive value of 80%. In summary, the available evidence is currently insufficient to determine the role of this variant in disease. Therefore, it has been classified as a Variant of Uncertain Significance.

Ambry Genetics
Classification: Uncertain significance for Hereditary cancer-predisposing syndrome. Last evaluated: 2024-10-17. Review status: criteria provided, single submitter. Criteria: Ambry Variant Classification Scheme 2023. Collection method: clinical testing. Allele origin: germline.
Comment: The p.A2239T variant (also known as c.6715G>A), located in coding exon 48 of the POLE gene, results from a G to A substitution at nucleotide position 6715. The alanine at codon 2239 is replaced by threonine, an amino acid with similar properties. This amino acid position is highly conserved in available vertebrate species. In addition, this alteration is predicted to be tolerated by in silico analysis. Based on the available evidence, the clinical significance of this variant remains unclear.

NM_006231.4(POLE):c.6715G>A (p.Ala2239Thr)

Gene: POLE (DNA polymerase epsilon, catalytic subunit; minus strand). Cytogenetic location: 12q24.33.
Variant type: single nucleotide variant.
Coding change: c.6715G>A on transcript NM_006231.4 (MANE Select); coding-DNA position 6715, G replaced by A.
Protein change: p.Ala2239Thr; replaces alanine 2239 with threonine.
Molecular consequence: missense variant.
Genome position (GRCh38, 1-based): chr12:132,624,937, C>T on the plus strand (G>A on the coding strand, the complement: POLE is on the minus strand). VCF-style: chr12-132624937-C-T. GRCh37 (hg19) VCF-style: chr12-133201523-C-T.
Other names: c.6715G>A (NM_006231.2); short protein forms A2239T.
Identifiers: ClinVar variation 859482 (VCV000859482.8), dbSNP rs370305500, ClinGen allele CA6892011.
Genomic context (GRCh38, chr12:132,624,937, plus strand): 5'-GAGCCGAGGCAGATGAGGGAGAGCCCACCTGGGTGTGGATGGTGAGGGCGAAGTCTCCCG[C>T]GCAGCTGCAGTACACAGGCATGCTGGTCTCCTTCACCCCGCGGCACTTCAGGCAGACCTG-3'
Protein context (NP_006222.2, residues 2229-2249): ETSMPVYCSC[Ala2239Thr]GDFALTIHTQ